The following is an entry in ClinVar:

ClinVar aggregate classification (germline): Pathogenic (1 of 4 stars; one submission).

Conditions:
Telangiectasia, hereditary hemorrhagic, type 2 (HHT2). Also called: ACVRL1-Related Hereditary Hemorrhagic Telangiectasia; Telangiectasia, hereditary hemorrhagic, type II. Identifiers: Orphanet 774, MedGen C1838163, MONDO:0010880, OMIM 600376. Disease mechanism: loss of function.

Submission:

Labcorp Genetics (formerly Invitae), Labcorp
Classification: Pathogenic for Telangiectasia, hereditary hemorrhagic, type 2. Last evaluated: 2023-10-14. Review status: criteria provided, single submitter. Criteria: Invitae Variant Classification Sherloc (09022015). Collection method: clinical testing. Allele origin: germline.
Comment: This variant is a gross deletion of the genomic region encompassing exon(s) 10 of the ACVRL1 gene, which includes the termination codon. This deletion extends beyond the assayed region for this gene and therefore may encompass additional genes. While this deletion is not anticipated to lead to nonsense mediated decay, it is expected to alter mRNA translation or result in a truncated protein product. A similar copy number variant has been observed in individuals with hereditary hemorrhagic telangiectasia (PMID: 20414677). For these reasons, this variant has been classified as Pathogenic.

Literature cited by the submitters: PubMed 20414677.

NC_000012.11:g.(?_52314523)_(52314677_?)del

Gene: ACVRL1 (activin A receptor like type 1; plus strand). Cytogenetic location: 12q13.13.
Variant type: Deletion.
Identifiers: ClinVar variation 1396385 (VCV001396385.5).